The following is an entry in ClinVar:

NM_001035.3(RYR2):c.4502A>G (p.Asn1501Ser)

Gene: RYR2 (ryanodine receptor 2; plus strand). Cytogenetic location: 1q43.
Variant type: single nucleotide variant.
Coding change: c.4502A>G on transcript NM_001035.3 (MANE Select); coding-DNA position 4502, A replaced by G.
Protein change: p.Asn1501Ser; replaces asparagine 1501 with serine.
Molecular consequence: missense variant.
Genome position (GRCh38, 1-based): chr1:237,595,563, A>G. VCF-style: chr1-237595563-A-G. GRCh37 (hg19) VCF-style: chr1-237758863-A-G.
Other names: short protein forms N1501S.
Identifiers: ClinVar variation 1389253 (VCV001389253.9), dbSNP rs2148474843, ClinGen allele CA345400388.
Genomic context (GRCh38, chr1:237,595,563, plus strand): 5'-AACGCAGCAACTGCTATATGGTATGTGCGGGTGAGAGCATGAGCCCCGGGCAAGGACGCA[A>G]CAATAATGGACTGGAGATTGGCTGTGTGGTGGATGCTGCCAGCGGGCTGCTCACATTCAT-3'
Protein context (NP_001026.2, residues 1491-1511): GESMSPGQGR[Asn1501Ser]NNGLEIGCVV

ClinVar aggregate classification (germline): Uncertain significance (1 of 4 stars; one submission).

Conditions:
Catecholaminergic polymorphic ventricular tachycardia 1. Also called: VENTRICULAR TACHYCARDIA, CATECHOLAMINERGIC POLYMORPHIC, 1, WITH OR WITHOUT ATRIAL DYSFUNCTION AND/OR DILATED CARDIOMYOPATHY; VENTRICULAR TACHYCARDIA, STRESS-INDUCED POLYMORPHIC 1; RYR2-Related Catecholaminergic Polymorphic Ventricular Tachycardia. Identifiers: Orphanet 3286, MedGen C1631597, MONDO:0011484, OMIM 604772.

Submission:

Labcorp Genetics (formerly Invitae), Labcorp
Classification: Uncertain significance for Catecholaminergic polymorphic ventricular tachycardia 1. Last evaluated: 2021-04-21. Review status: criteria provided, single submitter. Criteria: Invitae Variant Classification Sherloc (09022015). Collection method: clinical testing. Allele origin: germline.
Comment: In summary, the available evidence is currently insufficient to determine the role of this variant in disease. Therefore, it has been classified as a Variant of Uncertain Significance. Advanced modeling of protein sequence and biophysical properties (such as structural, functional, and spatial information, amino acid conservation, physicochemical variation, residue mobility, and thermodynamic stability) performed at Invitae indicates that this missense variant is not expected to disrupt RYR2 protein function. This variant has not been reported in the literature in individuals with RYR2-related conditions. This variant is not present in population databases (ExAC no frequency). This sequence change replaces asparagine with serine at codon 1501 of the RYR2 protein (p.Asn1501Ser). The asparagine residue is highly conserved and there is a small physicochemical difference between asparagine and serine.